The following is an entry in ClinVar:

ClinVar aggregate classification (germline): Uncertain significance (1 of 4 stars; one submission).

Allele frequency attached by ClinVar (database versions not stated): TOPMed below 0.00001.

Submission:

GeneDx
Classification: Uncertain significance. Last evaluated: 2026-02-26. Review status: criteria provided, single submitter. Criteria: GeneDx Variant Classification Process June 2021. Collection method: clinical testing. Allele origin: germline.
Comment: Not observed at significant frequency in large population cohorts (gnomAD); Frameshift variant predicted to result in protein truncation as the last 122 amino acids are replaced with 89 different amino acids, although loss-of-function variants have not been reported downstream of this position in the protein; Has not been previously published as pathogenic or benign to our knowledge

NM_006014.5(LAGE3):c.64dup (p.Ser22fs)

Genes: LAGE3 (L antigen family member 3; minus strand), LOC130068876 (ATAC-STARR-seq lymphoblastoid silent region 21109; plus strand). Cytogenetic location: Xq28.
Variant type: Duplication.
Coding change: c.64dup on transcript NM_006014.5 (MANE Select); coding-DNA position 64, one base duplicated (A; older notation c.64dupA).
Protein change: p.Ser22fs; shifts the reading frame from serine 22.
Molecular consequence: frameshift variant.
Genome position (GRCh38, 1-based): chrX:154,478,852, T duplicated on the plus strand (A on the coding strand, the reverse complement: LAGE3 is on the minus strand). VCF-style (leftmost placement, unchanged base first): chrX-154478851-C-CT. GRCh37 (hg19) VCF-style: chrX-153707190-C-CT.
Other names: short protein forms S22fs.
Identifiers: ClinVar variation 1803463 (VCV001803463.2), dbSNP rs1469820298, ClinGen allele CA873320706.